The following is an entry in ClinVar:

ClinVar aggregate classification (germline): Conflicting classifications of pathogenicity. Review status: criteria provided, conflicting classifications (1 of 4 stars). 2 submissions from 2 submitters: Uncertain significance (1); Likely benign (1). Last evaluated 2025-06-17.

Conditions:
Hereditary cancer-predisposing syndrome. Also called: Neoplastic Syndromes, Hereditary; Hereditary Cancer Syndrome; Hereditary neoplastic syndrome; Tumor predisposition. Identifiers: Orphanet 140162, MedGen C0027672, MeSH D009386, MONDO:0015356.

gnomAD v4.1: 2 of 1,614,148 alleles (0.00012%); highest among the groups gnomAD compares: Non-Finnish European, 0.00017%; no homozygotes.

Submissions (2):

Ambry Genetics
Classification: Likely benign for Hereditary cancer-predisposing syndrome. Last evaluated: 2025-06-17. Review status: criteria provided, single submitter. Criteria: Ambry Variant Classification Scheme 2023. Collection method: clinical testing. Allele origin: germline.

Labcorp Genetics (formerly Invitae), Labcorp
Classification: Uncertain significance. Last evaluated: 2023-07-10. Review status: criteria provided, single submitter. Criteria: Invitae Variant Classification Sherloc (09022015). Collection method: clinical testing. Allele origin: germline.
Comment: In summary, the available evidence is currently insufficient to determine the role of this variant in disease. Therefore, it has been classified as a Variant of Uncertain Significance. An algorithm developed to predict the effect of missense changes on protein structure and function (PolyPhen-2) suggests that this variant is likely to be tolerated. ClinVar contains an entry for this variant (Variation ID: 1418969). This variant has not been reported in the literature in individuals affected with POLE-related conditions. This variant is not present in population databases (gnomAD no frequency). This sequence change replaces aspartic acid, which is acidic and polar, with glycine, which is neutral and non-polar, at codon 1954 of the POLE protein (p.Asp1954Gly).

NM_006231.4(POLE):c.5861A>G (p.Asp1954Gly)

Gene: POLE (DNA polymerase epsilon, catalytic subunit; minus strand). Cytogenetic location: 12q24.33.
Variant type: single nucleotide variant.
Coding change: c.5861A>G on transcript NM_006231.4 (MANE Select); coding-DNA position 5861, A replaced by G.
Protein change: p.Asp1954Gly; replaces aspartic acid 1954 with glycine.
Molecular consequence: missense variant.
Genome position (GRCh38, 1-based): chr12:132,634,329, T>C on the plus strand (A>G on the coding strand, the complement: POLE is on the minus strand). VCF-style: chr12-132634329-T-C. GRCh37 (hg19) VCF-style: chr12-133210915-T-C.
Other names: short protein forms D1954G.
Identifiers: ClinVar variation 1418969 (VCV001418969.11), dbSNP rs1239508295, ClinGen allele CA387371745.